The following is an entry in ClinVar:

ClinVar aggregate classification (germline): Uncertain significance (1 of 4 stars; one submission).

Conditions:
Polyglandular autoimmune syndrome, type 1 (APS1). Also called: Autoimmune polyendocrinopathy syndrome , type I, with or without reversible metaphyseal dysplasia; PGA I; Autoimmune polyendocrinopathy syndrome, type I; HYPOADRENOCORTICISM WITH HYPOPARATHYROIDISM AND SUPERFICIAL MONILIASIS; Autoimmune polyendocrine syndrome type 1; AUTOIMMUNE POLYENDOCRINE SYNDROME, TYPE I, WITH OR WITHOUT REVERSIBLE METAPHYSEAL DYSPLASIA. Identifiers: Orphanet 3453, MedGen C0085859, MONDO:0009411, OMIM 240300.

Allele frequency attached by ClinVar (database versions not stated): TOPMed below 0.00001; gnomAD exomes below 0.00001; gnomAD 0.00001.
gnomAD v4.1: 4 of 1,612,532 alleles (0.00025%); highest among the groups gnomAD compares: African/African-American, 0.0013%; no homozygotes.

Submission:

Labcorp Genetics (formerly Invitae), Labcorp
Classification: Uncertain significance for Polyglandular autoimmune syndrome, type 1. Last evaluated: 2021-09-01. Review status: criteria provided, single submitter. Criteria: Invitae Variant Classification Sherloc (09022015). Collection method: clinical testing. Allele origin: germline.
Comment: This sequence change falls in intron 5 of the AIRE gene. It does not directly change the encoded amino acid sequence of the AIRE protein. This variant is not present in population databases (ExAC no frequency). This variant has not been reported in the literature in individuals affected with AIRE-related conditions. Algorithms developed to predict the effect of sequence changes on RNA splicing suggest that this variant may disrupt the consensus splice site. In summary, the available evidence is currently insufficient to determine the role of this variant in disease. Therefore, it has been classified as a Variant of Uncertain Significance.

NM_000383.4(AIRE):c.653-9T>A

Gene: AIRE (autoimmune regulator; plus strand). Cytogenetic location: 21q22.3.
Variant type: single nucleotide variant.
Coding change: c.653-9T>A on transcript NM_000383.4 (MANE Select); 9 bases into the intron before coding-DNA position 653, T replaced by A.
Molecular consequence: intron variant.
Genome position (GRCh38, 1-based): chr21:44,289,648, T>A. VCF-style: chr21-44289648-T-A. GRCh37 (hg19) VCF-style: chr21-45709531-T-A.
Identifiers: ClinVar variation 656605 (VCV000656605.5), dbSNP rs941927668, ClinGen allele CA321789173.